The following is an entry in ClinVar:

NC_000018.9:g.(?_55225777)_(56940458_?)dup

Genes: GRP (gastrin releasing peptide; plus strand), ATP8B1 (ATPase phospholipid transporting 8B1; minus strand), ATP8B1-AS1 (ATP8B1 antisense RNA 1; plus strand), FECH (ferrochelatase; minus strand), LINC01897 (long intergenic non-protein coding RNA 1897; minus strand) and 84 more. Cytogenetic location: 18q21.31-21.32.
Variant type: Duplication.
Identifiers: ClinVar variation 663413 (VCV000663413.2).

ClinVar aggregate classification (germline): Uncertain significance (1 of 4 stars; one submission).

Submission:

Labcorp Genetics (formerly Invitae), Labcorp
Classification: Uncertain significance. Last evaluated: 2018-12-24. Review status: criteria provided, single submitter. Criteria: Invitae Variant Classification Sherloc (09022015). Collection method: clinical testing. Allele origin: germline.
Comment: This variant results in a copy number gain of the genomic region encompassing the full coding sequence of the NEDD4L gene. The boundaries of this event are unknown as they extend beyond the assayed region for this gene and therefore may encompass additional genes. As the precise location of this event is unknown, it may be in tandem or it may be located elsewhere in the genome. This variant has not been reported in the literature in individuals with NEDD4L-related conditions. In summary, the available evidence is currently insufficient to determine the role of this variant in disease. Therefore, it has been classified as a Variant of Uncertain Significance.